The following is an entry in ClinVar:

NM_000096.4(CP):c.2837A>G (p.Asn946Ser)

Gene: CP (ceruloplasmin; minus strand). Cytogenetic location: 3q24.
Variant type: single nucleotide variant.
Coding change: c.2837A>G on transcript NM_000096.4 (MANE Select); coding-DNA position 2837, A replaced by G.
Protein change: p.Asn946Ser; replaces asparagine 946 with serine.
Molecular consequence: missense variant. On other transcripts: non-coding transcript variant (1).
Genome position (GRCh38, 1-based): chr3:149,178,456, T>C on the plus strand (A>G on the coding strand, the complement: CP is on the minus strand). VCF-style: chr3-149178456-T-C. GRCh37 (hg19) VCF-style: chr3-148896243-T-C.
Other names: short protein forms N946S.
Identifiers: ClinVar variation 1367329 (VCV001367329.8), dbSNP rs1185823259, ClinGen allele CA354929513.

ClinVar aggregate classification (germline): Uncertain significance (1 of 4 stars; one submission).

Conditions:
Deficiency of ferroxidase (ACEP). Also called: Ceruloplasmin deficiency; Familial apoceruloplasmin deficiency; Hereditary ceruloplasmin deficiency; Deficiency of ceruloplasmin; NEURODEGENERATION WITH BRAIN IRON ACCUMULATION 10; Aceruloplasminemia. Identifiers: Orphanet 48818, MedGen C0878682, MONDO:0011426, OMIM 604290, HP:0025498.

Allele frequency attached by ClinVar (database versions not stated): gnomAD exomes below 0.00001.
gnomAD v4.1: 1 of 1,613,164 alleles (0.000062%); highest among the groups gnomAD compares: East Asian, 0.0022%; no homozygotes.

Submission:

Labcorp Genetics (formerly Invitae), Labcorp
Classification: Uncertain significance for Deficiency of ferroxidase. Last evaluated: 2021-07-14. Review status: criteria provided, single submitter. Criteria: Invitae Variant Classification Sherloc (09022015). Collection method: clinical testing. Allele origin: germline.
Comment: In summary, the available evidence is currently insufficient to determine the role of this variant in disease. Therefore, it has been classified as a Variant of Uncertain Significance. This sequence change replaces asparagine with serine at codon 946 of the CP protein (p.Asn946Ser). The asparagine residue is moderately conserved and there is a small physicochemical difference between asparagine and serine. This variant is not present in population databases (ExAC no frequency). This variant has not been reported in the literature in individuals affected with CP-related conditions. Algorithms developed to predict the effect of missense changes on protein structure and function (SIFT, PolyPhen-2, Align-GVGD) all suggest that this variant is likely to be tolerated. Algorithms developed to predict the effect of sequence changes on RNA splicing suggest that this variant may create or strengthen a splice site.